The following is an entry in ClinVar:

NM_001377304.1(GFI1B):c.503G>T (p.Cys168Phe)

Gene: GFI1B (growth factor independent 1B transcriptional repressor; plus strand). Cytogenetic location: 9q34.13.
Variant type: single nucleotide variant.
Coding change: c.503G>T on transcript NM_001377304.1 (MANE Select); coding-DNA position 503, G replaced by T.
Protein change: p.Cys168Phe; replaces cysteine 168 with phenylalanine.
Molecular consequence: missense variant.
Genome position (GRCh38, 1-based): chr9:132,988,461, G>T. VCF-style: chr9-132988461-G-T. GRCh37 (hg19) VCF-style: chr9-135863848-G-T.
Other names: p.Cys168Phe; c.503G>T (NM_004188.7); c.503G>T, p.Cys168Phe (NM_001135031.2, NM_001371908.1, NM_001377305.1 and 1 more transcripts); short protein forms C168F.
Identifiers: ClinVar variation 1695382 (VCV001695382.22), dbSNP rs527297896, ClinGen allele CA5301949.

ClinVar aggregate classification (germline): Conflicting classifications of pathogenicity. Review status: criteria provided, conflicting classifications (1 of 4 stars). 14 submissions from 14 submitters: Pathogenic (1); Likely pathogenic (10); Uncertain significance (2); Benign (1). Last evaluated 2026-07-09.

Conditions:
Bleeding and platelet disorders.
Non-Fanconi anemia cytopenia.
Inherited predisposition to acute myeloid leukaemia (AML).
GFI1B-related disorder. Also called: GFI1B-related condition.
Inborn genetic diseases. Identifiers: MedGen C0950123, MeSH D030342.
Platelet-type bleeding disorder 17 (BDPLT17). Also called: Thrombasthenia-thrombocytopenia, hereditary. Identifiers: Orphanet 721, MedGen C1861194, MONDO:0008553, OMIM 187900.

Allele frequency attached by ClinVar (database versions not stated): gnomAD exomes 0.00049; TOPMed 0.00001; 1000 Genomes Project 0.00100; ExAC 0.00060; 1000 Genomes Project 30x 0.00109; gnomAD 0.00011.
gnomAD v4.1: 369 of 1,613,472 alleles (0.023%); highest among the groups gnomAD compares: South Asian, 0.38%; 2 homozygotes.

Submissions 1 to 6 of 14:

Ambry Genetics
Classification: Likely pathogenic for Inborn genetic diseases. Last evaluated: 2026-07-09. Review status: criteria provided, single submitter. Criteria: Ambry Variant Classification Scheme 2023. Collection method: clinical testing. Allele origin: germline.
Comment: The c.503G>T (p.C168F) alteration is located in exon 4 (coding exon 3) of the GFI1B gene. This alteration results from a G to T substitution at nucleotide position 503, causing the cysteine (C) at amino acid position 168 to be replaced by a phenylalanine (F). for autosomal dominant GFI1B-related platelet-type bleeding disorder; however, its clinical significance for autosomal recessive GFI1B-related platelet-type bleeding disorder is uncertain. Based on data from gnomAD, the T allele has an overall frequency of 0.049% (122/249018) total alleles studied. The highest observed frequency was 0.396% (121/30594) of South Asian alleles. This variant was identified in one or more individuals with features consistent with autosomal dominant GFI1B-related platelet-type bleeding disorder (Chen, 2014; Rabbolini, 2017; Johnson, 2018; Cheng, 2019) and segregated with disease in at least one family (Rabbolini, 2017). This variant has also been identified in the homozygous state in individual(s) with features consistent with autosomal recessive GFI1B-related platelet-type bleeding disorder (Chen, 2014). This amino acid position is highly conserved in available vertebrate species. In multiple assays testing GFI1B function, this variant showed functionally abnormal results (Rabbolini, 2017; van Oorschot, 2019). This alteration is predicted to be deleterious by in silico analysis. Based on the available evidence, this alteration is classified as likely pathogenic.

PreventionGenetics, part of Exact Sciences
Classification: Likely pathogenic for GFI1B-related condition. Last evaluated: 2026-01-25. Review status: criteria provided, single submitter. Criteria: ACMG Guidelines, 2015. Collection method: clinical testing. Allele origin: germline.
Comment: The GFI1B c.503G>T variant is predicted to result in the amino acid substitution p.Cys168Phe. This variant has been reported in the heterozygous state in an individual with thrombocytopenia, bruising, petechiae and epistaxis (Cheng et al. 2019. PubMed ID: 31207059). It was also reported to segregate in an autosomal dominant manner in three unrelated families with macrothrombocytopenia who lacked significant bruising or bleeding symptoms and any significant abnormal platelet granule phenotype (Rabbolini et al. 2017. PubMed ID: 28880435). This variant has also been reported in either the heterozygous or homozygous states in two individuals with abnormal platelet phenotypes and is predicted to affect the stability of the Zn-finger domain which may affect GFI1B protein function (Supplement Table 15 and S32 – S35, Chen et al. 2014. PubMed ID: 25258084). This variant was again reported in the homozygous state in a patient with thrombocytopenia, clinical bleeding symptoms, and abnormal platelet aggregation and was shown to affect GFI1B protein function; however, it was interpreted as a variant of uncertain significance in the study (van Oorschot. 2019. PubMed ID: 30573501). This variant is reported in 0.40% of alleles in individuals of South Asian descent in gnomAD, including one homozygous individual. Taken together, data indicate this variant may be associated with variable expressivity or penetrance. This variant is interpreted as likely pathogenic.

North West Genomic Laboratory Hub, Manchester University NHS Foundation Trust
Classification: Likely pathogenic for Inherited predisposition to acute myeloid leukaemia (AML); Bleeding and platelet disorders; Non-Fanconi anemia cytopenia. Last evaluated: 2025-12-23. Review status: criteria provided, single submitter. Criteria: ACGS Best Practice Guidelines for Variant Classification in Rare Disease 2024. Collection method: clinical testing. Allele origin: germline. Affected: yes.
Comment: PP3_Supp PS3_Supp PS4_Mod PM1_Supp PP1_Str

Victorian Clinical Genetics Services, Murdoch Childrens Research Institute
Classification: Likely pathogenic for Platelet-type bleeding disorder 17. Last evaluated: 2025-11-25. Review status: criteria provided, single submitter. Criteria: ACMG Guidelines, 2015. Collection method: clinical testing. Allele origin: germline. Affected: yes.
Comment: This variant is classified as Likely pathogenic. Evidence in support of pathogenic classification: Variant is present in gnomAD <0.01 (v4: 365 heterozygote(s), 2 homozygote(s)); This variant has strong previous evidence of pathogenicity in unrelated individuals. This variant has been classified multiple times as likely pathogenic/pathogenic and once as a VUS by clinical laboratories in ClinVar. It has also been reported in the literature in homozygous and heterozygous individuals with GFI1B-related features (PMIDs: 30573501, 28880435, 25258084, 31207059, 37647632); This variant has moderate functional evidence supporting abnormal protein function. This variant was shown to disrupt the repressive function of GFI1B gene expression (PMID: 30573501); Missense variant predicted to be damaging by in silico tool(s) or highly conserved with a major amino acid change. Additional information: Variant is predicted to result in a missense amino acid change from Cys to Phe; This variant is homozygous; This gene is associated with both recessive and dominant disease (OMIM); Alternative amino acid change(s) at the same position are present in gnomAD (highest allele count: v4: 6 heterozygote(s), 0 homozygote(s)); Another missense variant(s) comparable to the one identified in this case has inconclusive previous evidence for pathogenicity. p.(Cys168Tyr) has been classified as a VUS by a clinical laboratory in ClinVar; Variant is located in the annotated zinc finger, C2H2 type, domain (DECIPHER); Dominant negative and loss of function are known mechanisms of disease in this gene and are associated with platelet-type bleeding disorder 17 (MIM#187900) with autosomal dominant and autosomal recessive inheritance, respectively. Variants that lead to absence of the two terminal zinc fingers of GFI1B have been associated with dominant-negative (PMID: 28550182). For missense variants, there is currently no clear association between variant location and mode of inheritance (PMIDs: 34355501, 32633597, 28880435); Variants in this gene are known to have variable expressivity. Variable severity of bleeding has been reported among family members (PMIDs: 23927492, 28041820); Inheritance information for this variant is not currently available in this individual.

Mayo Clinic Laboratories, Mayo Clinic
Classification: Likely pathogenic. Last evaluated: 2025-10-24. Review status: criteria provided, single submitter. Criteria: ACMG Guidelines, 2015. Collection method: clinical testing. Allele origin: germline. Observed: 4 variant alleles.
Comment: BS1, PP1_strong, PS3, PS4_moderate

Clinical Genetics Laboratory, Skane University Hospital Lund
Classification: Likely pathogenic for Platelet-type bleeding disorder 17. Last evaluated: 2025-08-21. Review status: criteria provided, single submitter. Criteria: ACMG Guidelines, 2015. Collection method: clinical testing. Allele origin: germline. Affected: yes.
Comment: PS3_Moderate, PP1_Strong